The following is an entry in ClinVar:

ClinVar aggregate classification (germline): Uncertain significance (1 of 4 stars; one submission).

Conditions:
Hereditary cancer-predisposing syndrome. Also called: Neoplastic Syndromes, Hereditary; Tumor predisposition; Hereditary Cancer Syndrome; Hereditary neoplastic syndrome. Identifiers: Orphanet 140162, MedGen C0027672, MeSH D009386, MONDO:0015356.

Submission:

Ambry Genetics
Classification: Uncertain significance for Hereditary cancer-predisposing syndrome. Last evaluated: 2024-06-28. Review status: criteria provided, single submitter. Criteria: Ambry Variant Classification Scheme 2023. Collection method: clinical testing. Allele origin: germline.
Comment: The p.T278I variant (also known as c.833C>T), located in coding exon 4 of the RET gene, results from a C to T substitution at nucleotide position 833. The threonine at codon 278 is replaced by isoleucine, an amino acid with similar properties. This amino acid position is well conserved in available vertebrate species. In addition, the in silico prediction for this alteration is inconclusive. Based on the available evidence, the clinical significance of this variant remains unclear.

NM_020975.6(RET):c.833C>T (p.Thr278Ile)

Gene: RET (ret proto-oncogene; plus strand). Cytogenetic location: 10q11.21.
Variant type: single nucleotide variant.
Coding change: c.833C>T on transcript NM_020975.6 (MANE Select); coding-DNA position 833, C replaced by T.
Protein change: p.Thr278Ile; replaces threonine 278 with isoleucine.
Molecular consequence: missense variant. On other transcripts: intron variant (22).
Genome position (GRCh38, 1-based): chr10:43,105,159, C>T. VCF-style: chr10-43105159-C-T. GRCh37 (hg19) VCF-style: chr10-43600607-C-T.
Other names: c.71C>T, p.Thr24Ile (NM_001355216.2); c.833C>T, p.Thr278Ile (NM_001406743.1, NM_001406744.1, NM_001406759.1 and 6 more transcripts); c.704C>T, p.Thr235Ile (NM_001406761.1, NM_001406762.1, NM_001406764.1 and 2 more transcripts); c.545C>T, p.Thr182Ile (NM_001406766.1, NM_001406767.1, NM_001406770.1); c.625+2530C>T (NM_001406773.1, NM_001406771.1, NM_001406782.1 and 5 more transcripts); c.496+2530C>T (NM_001406786.1, NM_001406783.1); c.338-3872C>T (NM_001406778.1, NM_001406775.1, NM_001406776.1 and 1 more transcripts); c.337+4437C>T (NM_001406790.1, NM_001406788.1, NM_001406789.1 and 1 more transcripts); and 2 more; short protein forms T278I, T235I, T182I, T24I.
Identifiers: ClinVar variation 3432207 (VCV003432207.1).
Genomic context (GRCh38, chr10:43,105,159, plus strand): 5'-TCCCGGTGACCGTGTACGACGAGGACGACTCGGCGCCCACCTTCCCCGCGGGCGTCGACA[C>T]CGCCAGCGCCGTGGTGGAGTTCAAGCGGAAGGAGGTGCTTGTCCGCGCGTGCTGTGGTCT-3'
Protein context (NP_066124.1, residues 268-288): SAPTFPAGVD[Thr278Ile]ASAVVEFKRK